The following is an entry in ClinVar:

NM_001112741.2(KCNC1):c.479C>T (p.Ser160Phe)

Gene: KCNC1 (potassium voltage-gated channel subfamily C member 1; plus strand). Cytogenetic location: 11p15.1.
Variant type: single nucleotide variant.
Coding change: c.479C>T on transcript NM_001112741.2 (MANE Select); coding-DNA position 479, C replaced by T.
Protein change: p.Ser160Phe; replaces serine 160 with phenylalanine.
Molecular consequence: missense variant.
Genome position (GRCh38, 1-based): chr11:17,736,481, C>T. VCF-style: chr11-17736481-C-T. GRCh37 (hg19) VCF-style: chr11-17758028-C-T.
Other names: c.479C>T, p.Ser160Phe (NM_004976.4); short protein forms S160F.
Identifiers: ClinVar variation 2125540 (VCV002125540.4), dbSNP rs1235004607, ClinGen allele CA379801720.
Genomic context (GRCh38, chr11:17,736,481, plus strand): 5'-GCGACTCGGGCGACGGCGAGGACGAGCTGGAGATGACCAAGCGCCTGGCGCTCAGTGACT[C>T]CCCGGATGGCCGGCCTGGCGGCTTTTGGCGCCGCTGGCAGCCGCGCATCTGGGCGCTCTT-3'
Protein context (NP_001106212.1, residues 150-170): EMTKRLALSD[Ser160Phe]PDGRPGGFWR

ClinVar aggregate classification (germline): Uncertain significance (1 of 4 stars; one submission).

Conditions:
Progressive myoclonic epilepsy type 7. Identifiers: Orphanet 435438, MedGen C4015420, MONDO:0014521, OMIM 616187.

Allele frequency attached by ClinVar (database versions not stated): gnomAD exomes below 0.00001.

Submission:

Labcorp Genetics (formerly Invitae), Labcorp
Classification: Uncertain significance for Progressive myoclonic epilepsy type 7. Last evaluated: 2022-06-24. Review status: criteria provided, single submitter. Criteria: Invitae Variant Classification Sherloc (09022015). Collection method: clinical testing. Allele origin: germline.
Comment: Algorithms developed to predict the effect of missense changes on protein structure and function are either unavailable or do not agree on the potential impact of this missense change (SIFT: "Deleterious"; PolyPhen-2: "Possibly Damaging"; Align-GVGD: "Class C0"). In summary, the available evidence is currently insufficient to determine the role of this variant in disease. Therefore, it has been classified as a Variant of Uncertain Significance. This variant has not been reported in the literature in individuals affected with KCNC1-related conditions. This variant is present in population databases (no rsID available, gnomAD 0.01%). This sequence change replaces serine, which is neutral and polar, with phenylalanine, which is neutral and non-polar, at codon 160 of the KCNC1 protein (p.Ser160Phe).